The following is an entry in ClinVar:

NM_001447.3(FAT2):c.4738A>G (p.Met1580Val)

Genes: FAT2 (FAT atypical cadherin 2; minus strand), SLC36A1 (solute carrier family 36 member 1; plus strand). Cytogenetic location: 5q33.1.
Variant type: single nucleotide variant.
Coding change: c.4738A>G on transcript NM_001447.3 (MANE Select); coding-DNA position 4738, A replaced by G.
Protein change: p.Met1580Val; replaces methionine 1580 with valine.
Molecular consequence: missense variant.
Genome position (GRCh38, 1-based): chr5:151,549,346, T>C on the plus strand (A>G on the coding strand, the complement: FAT2 is on the minus strand). VCF-style: chr5-151549346-T-C. GRCh37 (hg19) VCF-style: chr5-150928907-T-C.
Other names: c.4738A>G (NM_001447.2); short protein forms M1580V.
Identifiers: ClinVar variation 2896359 (VCV002896359.4), dbSNP rs142743004, ClinGen allele CA3521470.

ClinVar aggregate classification (germline): Uncertain significance. Review status: criteria provided, multiple submitters, no conflicts (2 of 4 stars). 2 submissions from 2 submitters: Uncertain significance (2). Last evaluated 2025-06-13.

Allele frequency attached by ClinVar (database versions not stated): ExAC 0.00007; 1000 Genomes Project 30x 0.00016; gnomAD 0.00047; gnomAD exomes 0.00003; 1000 Genomes Project 0.00020; ESP Exome Variant Server 0.00023; TOPMed 0.00044.
gnomAD v4.1: 118 of 1,613,946 alleles (0.0073%); highest among the groups gnomAD compares: African/African-American, 0.15%; no homozygotes.

Submissions (2):

Labcorp Genetics (formerly Invitae), Labcorp
Classification: Uncertain significance. Last evaluated: 2025-06-13. Review status: criteria provided, single submitter. Criteria: Invitae Variant Classification Sherloc (09022015). Collection method: clinical testing. Allele origin: germline.
Comment: This sequence change replaces methionine, which is neutral and non-polar, with valine, which is neutral and non-polar, at codon 1580 of the FAT2 protein (p.Met1580Val). This variant is present in population databases (rs142743004, gnomAD 0.1%), and has an allele count higher than expected for a pathogenic variant. This variant has not been reported in the literature in individuals affected with FAT2-related conditions. ClinVar contains an entry for this variant (Variation ID: 2896359). Invitae Evidence Modeling of protein sequence and biophysical properties (such as structural, functional, and spatial information, amino acid conservation, physicochemical variation, residue mobility, and thermodynamic stability) indicates that this missense variant is not expected to disrupt FAT2 protein function with a negative predictive value of 80%. In summary, the available evidence is currently insufficient to determine the role of this variant in disease. Therefore, it has been classified as a Variant of Uncertain Significance.

Ambry Genetics
Classification: Uncertain significance. Last evaluated: 2024-05-14. Review status: criteria provided, single submitter. Criteria: Ambry Variant Classification Scheme 2023. Collection method: clinical testing. Allele origin: germline.